The following is an entry in ClinVar:

NM_080860.4(RSPH1):c.317A>G (p.Tyr106Cys)

Gene: RSPH1 (radial spoke head component 1; minus strand). Cytogenetic location: 21q22.3.
Variant type: single nucleotide variant.
Coding change: c.317A>G on transcript NM_080860.4 (MANE Select); coding-DNA position 317, A replaced by G.
Protein change: p.Tyr106Cys; replaces tyrosine 106 with cysteine.
Molecular consequence: missense variant.
Genome position (GRCh38, 1-based): chr21:42,486,419, T>C on the plus strand (A>G on the coding strand, the complement: RSPH1 is on the minus strand). VCF-style: chr21-42486419-T-C. GRCh37 (hg19) VCF-style: chr21-43906529-T-C.
Other names: c.203A>G, p.Tyr68Cys (NM_001286506.2); c.317A>G (NM_080860.2); short protein forms Y68C, Y106C.
Identifiers: ClinVar variation 1420691 (VCV001420691.7), dbSNP rs2054181407, ClinGen allele CA410366131.

ClinVar aggregate classification (germline): Uncertain significance. Review status: criteria provided, multiple submitters, no conflicts (2 of 4 stars). 2 submissions from 2 submitters: Uncertain significance (2). Last evaluated 2025-05-07.

Conditions:
Primary ciliary dyskinesia. Also called: Ciliary dyskinesia. Identifiers: Orphanet 244, MedGen C0008780, MONDO:0016575, HP:0012265.
Inborn genetic diseases. Identifiers: MedGen C0950123, MeSH D030342.

Allele frequency attached by ClinVar (database versions not stated): gnomAD exomes below 0.00001.
gnomAD v4.1: 3 of 1,614,076 alleles (0.00019%); highest among the groups gnomAD compares: Non-Finnish European, 0.00025%; no homozygotes.

Submissions (2):

Ambry Genetics
Classification: Uncertain significance for Inborn genetic diseases. Last evaluated: 2025-05-07. Review status: criteria provided, single submitter. Criteria: Ambry Variant Classification Scheme 2023. Collection method: clinical testing. Allele origin: germline.

Labcorp Genetics (formerly Invitae), Labcorp
Classification: Uncertain significance for Primary ciliary dyskinesia. Last evaluated: 2022-07-05. Review status: criteria provided, single submitter. Criteria: Invitae Variant Classification Sherloc (09022015). Collection method: clinical testing. Allele origin: germline.
Comment: This sequence change replaces tyrosine, which is neutral and polar, with cysteine, which is neutral and slightly polar, at codon 106 of the RSPH1 protein (p.Tyr106Cys). This variant is not present in population databases (gnomAD no frequency). This variant has not been reported in the literature in individuals affected with RSPH1-related conditions. ClinVar contains an entry for this variant (Variation ID: 1420691). Algorithms developed to predict the effect of missense changes on protein structure and function are either unavailable or do not agree on the potential impact of this missense change (SIFT: "Tolerated"; PolyPhen-2: "Probably Damaging"; Align-GVGD: "Class C15"). In summary, the available evidence is currently insufficient to determine the role of this variant in disease. Therefore, it has been classified as a Variant of Uncertain Significance.